The following is an entry in ClinVar:

ClinVar aggregate classification (germline): Uncertain significance (1 of 4 stars; one submission).

Submission:

Ambry Genetics
Classification: Uncertain significance. Last evaluated: 2023-12-19. Review status: criteria provided, single submitter. Criteria: Ambry Variant Classification Scheme 2023. Collection method: clinical testing. Allele origin: germline.
Comment: The p.G314C variant (also known as c.940G>T), located in coding exon 9 of the KIF1B gene, results from a G to T substitution at nucleotide position 940. The amino acid change results in glycine to cysteine at codon 314, an amino acid with highly dissimilar properties. However, this change occurs in the last base pair of coding exon 9, which makes it likely to have some effect on normal mRNA splicing. This nucleotide position is highly conserved in available vertebrate species. This amino acid position is highly conserved in available vertebrate species. In silico splice site analysis predicts that this alteration may weaken the native splice donor site. In addition, as a missense substitution this is predicted to be deleterious by in silico analysis. The evidence for this gene-disease relationship is limited; therefore, the clinical significance of this alteration is unclear.

NM_001365951.3(KIF1B):c.958G>T (p.Gly320Cys)

Gene: KIF1B (kinesin family member 1B; plus strand). Cytogenetic location: 1p36.22.
Variant type: single nucleotide variant.
Coding change: c.958G>T on transcript NM_001365951.3 (MANE Select); coding-DNA position 958, G replaced by T.
Protein change: p.Gly320Cys; replaces glycine 320 with cysteine.
Molecular consequence: missense variant.
Genome position (GRCh38, 1-based): chr1:10,275,503, G>T. VCF-style: chr1-10275503-G-T. GRCh37 (hg19) VCF-style: chr1-10335561-G-T.
Other names: c.958G>T, p.Gly320Cys (NM_001365952.1); c.940G>T, p.Gly314Cys (NM_001365953.1, NM_015074.3, NM_183416.4); short protein forms G314C, G320C.
Identifiers: ClinVar variation 3226567 (VCV003226567.1), dbSNP rs2521149342, ClinGen allele CA338332664.